The following is an entry in ClinVar:

NM_001365536.1(SCN9A):c.4756G>T (p.Val1586Leu)

Genes: SCN9A (sodium voltage-gated channel alpha subunit 9; minus strand), SCN1A-AS1 (SCN1A and SCN9A antisense RNA 1; plus strand). Cytogenetic location: 2q24.3.
Variant type: single nucleotide variant.
Coding change: c.4756G>T on transcript NM_001365536.1 (MANE Select); coding-DNA position 4756, G replaced by T.
Protein change: p.Val1586Leu; replaces valine 1586 with leucine.
Molecular consequence: missense variant.
Genome position (GRCh38, 1-based): chr2:166,203,973, C>A on the plus strand (G>T on the coding strand, the complement: SCN9A is on the minus strand). VCF-style: chr2-166203973-C-A. GRCh37 (hg19) VCF-style: chr2-167060483-C-A.
Other names: c.4723G>T, p.Val1575Leu (NM_002977.4); short protein forms V1575L, V1586L.
Identifiers: ClinVar variation 1035385 (VCV001035385.9), dbSNP rs1192423407, ClinGen allele CA349057280.

ClinVar aggregate classification (germline): Uncertain significance (1 of 4 stars; one submission).

Conditions:
Generalized epilepsy with febrile seizures plus, type 7 (GEFSP7). Also called: GEFS+, TYPE 7. Identifiers: Orphanet 36387, MedGen C2751778, MONDO:0013470, OMIM 613863.
Neuropathy, hereditary sensory and autonomic, type 2A (HSAN2A). Also called: ACROOSTEOLYSIS, GIACCAI TYPE; ACROOSTEOLYSIS, NEUROGENIC; MORVAN DISEASE; NEUROPATHY, CONGENITAL SENSORY; NEUROPATHY, HEREDITARY SENSORY RADICULAR, AUTOSOMAL RECESSIVE; NEUROPATHY, HEREDITARY SENSORY, TYPE IIA. Identifiers: Orphanet 970, MedGen C2752089, MONDO:0024309, OMIM 201300.

Allele frequency attached by ClinVar (database versions not stated): TOPMed below 0.00001; gnomAD 0.00001.

Submission:

Labcorp Genetics (formerly Invitae), Labcorp
Classification: Uncertain significance for Neuropathy, hereditary sensory and autonomic, type 2A; Generalized epilepsy with febrile seizures plus, type 7. Last evaluated: 2023-01-05. Review status: criteria provided, single submitter. Criteria: Invitae Variant Classification Sherloc (09022015). Collection method: clinical testing. Allele origin: germline.
Comment: This sequence change replaces valine, which is neutral and non-polar, with leucine, which is neutral and non-polar, at codon 1575 of the SCN9A protein (p.Val1575Leu). In summary, the available evidence is currently insufficient to determine the role of this variant in disease. Therefore, it has been classified as a Variant of Uncertain Significance. Advanced modeling of protein sequence and biophysical properties (such as structural, functional, and spatial information, amino acid conservation, physicochemical variation, residue mobility, and thermodynamic stability) performed at Invitae indicates that this missense variant is not expected to disrupt SCN9A protein function. ClinVar contains an entry for this variant (Variation ID: 1035385). This variant has not been reported in the literature in individuals affected with SCN9A-related conditions. This variant is not present in population databases (gnomAD no frequency).